The following is an entry in ClinVar:

ClinVar aggregate classification (germline): Uncertain significance (1 of 4 stars; one submission).

Submission:

GeneDx
Classification: Uncertain significance. Last evaluated: 2024-06-27. Review status: criteria provided, single submitter. Criteria: GeneDx Variant Classification Process June 2021. Collection method: clinical testing. Allele origin: germline.
Comment: Has not been previously published as pathogenic or benign to our knowledge; No data available from control populations to assess the frequency of this variant; In silico analysis is inconclusive as to whether the variant alters gene splicing. In the absence of RNA/functional studies, the actual effect of this sequence change is unknown.

NM_000266.4(NDP):c.-207-5T>C

Genes: NDP (norrin cystine knot growth factor NDP; minus strand), NDP-AS1 (NDP antisense RNA 1; plus strand). Cytogenetic location: Xp11.3.
Variant type: single nucleotide variant.
Coding change: c.-207-5T>C on transcript NM_000266.4 (MANE Select); 5 bases into the intron before 207 bases upstream of the start codon, T replaced by C.
Molecular consequence: intron variant.
Genome position (GRCh38, 1-based): chrX:43,958,857, A>G on the plus strand (T>C on the coding strand, the complement: NDP is on the minus strand). VCF-style: chrX-43958857-A-G. GRCh37 (hg19) VCF-style: chrX-43818103-A-G.
Identifiers: ClinVar variation 2573710 (VCV002573710.2), dbSNP rs2519320914, ClinGen allele CA2580617009.